The following is an entry in ClinVar:

NM_172364.5(CACNA2D4):c.1013A>G (p.Tyr338Cys)

Gene: CACNA2D4 (calcium voltage-gated channel auxiliary subunit alpha2delta 4; minus strand). Cytogenetic location: 12p13.33.
Variant type: single nucleotide variant.
Coding change: c.1013A>G on transcript NM_172364.5 (MANE Select); coding-DNA position 1013, A replaced by G.
Protein change: p.Tyr338Cys; replaces tyrosine 338 with cysteine.
Molecular consequence: missense variant.
Genome position (GRCh38, 1-based): chr12:1,886,020, T>C on the plus strand (A>G on the coding strand, the complement: CACNA2D4 is on the minus strand). VCF-style: chr12-1886020-T-C. GRCh37 (hg19) VCF-style: chr12-1995186-T-C.
Other names: short protein forms Y338C.
Identifiers: ClinVar variation 2117639 (VCV002117639.4), dbSNP rs2497246664, ClinGen allele CA383360195.

ClinVar aggregate classification (germline): Uncertain significance (1 of 4 stars; one submission).

Submission:

Labcorp Genetics (formerly Invitae), Labcorp
Classification: Uncertain significance. Last evaluated: 2025-03-10. Review status: criteria provided, single submitter. Criteria: Invitae Variant Classification Sherloc (09022015). Collection method: clinical testing. Allele origin: germline.
Comment: This sequence change replaces tyrosine, which is neutral and polar, with cysteine, which is neutral and slightly polar, at codon 338 of the CACNA2D4 protein (p.Tyr338Cys). This variant is not present in population databases (gnomAD no frequency). This variant has not been reported in the literature in individuals affected with CACNA2D4-related conditions. ClinVar contains an entry for this variant (Variation ID: 2117639). An algorithm developed to predict the effect of missense changes on protein structure and function (PolyPhen-2) suggests that this variant is likely to be disruptive. In summary, the available evidence is currently insufficient to determine the role of this variant in disease. Therefore, it has been classified as a Variant of Uncertain Significance.